The following is an entry in ClinVar:

ClinVar aggregate classification (germline): Uncertain significance (1 of 4 stars; one submission).

Allele frequency attached by ClinVar (database versions not stated): TOPMed below 0.00001 and 0.00001; gnomAD 0.00001.
gnomAD v4.1: 1 of 1,577,246 alleles (0.000063%); highest among the groups gnomAD compares: Non-Finnish European, 0.000086%; no homozygotes.

Submission:

GeneDx
Classification: Uncertain significance. Last evaluated: 2016-12-19. Review status: criteria provided, single submitter. Criteria: GeneDx Variant Classification (06012015). Collection method: clinical testing. Allele origin: germline. Affected: yes.
Comment: A variant of uncertain significance has been identified in an alternate transcript of the KCNH2 gene. The S851G variant has not been published as a pathogenic variant, nor has it been reported as a benign variant to our knowledge. This variant was not observed in approximately 3,400 individuals of European and African American ancestry in the NHLBI Exome Sequencing Project, indicating it is not a common benign variant in these populations. The S851G variant is a non-conservative amino acid substitution, which is likely to impact secondary protein structure as these residues differ in polarity, charge, size and/or other properties. However, this substitution occurs at a position that is not conserved across species, and Glycine is the wild-type amino acid at this location in at least two species. Additionally, 2/3 in silico algorithms predict this variant likely does not alter the protein structure/function. Finally, no missense variants in this transcript have been reported in the Human Gene Mutation Database (Stenson et al., 2014).Therefore, based on the currently available information, it is unclear whether this variant is pathogenic or benign.

NM_000238.4(KCNH2):c.2398+153A>G

Gene: KCNH2 (potassium voltage-gated channel subfamily H member 2; minus strand). Cytogenetic location: 7q36.1.
Variant type: single nucleotide variant.
Coding change: c.2398+153A>G on transcript NM_000238.4 (MANE Select); 153 bases into the intron after coding-DNA position 2398, A replaced by G.
Molecular consequence: intron variant. On other transcripts: missense variant (5).
Genome position (GRCh38, 1-based): chr7:150,950,015, T>C on the plus strand (A>G on the coding strand, the complement: KCNH2 is on the minus strand). VCF-style: chr7-150950015-T-C. GRCh37 (hg19) VCF-style: chr7-150647103-T-C.
Other names: p.S851G:AGC>GGC; c.1531A>G, p.Ser511Gly (NM_001204798.2); c.2374A>G, p.Ser792Gly (NM_001406755.1); c.2263A>G, p.Ser755Gly (NM_001406756.1); c.2251A>G, p.Ser751Gly (NM_001406757.1); c.2551A>G, p.Ser851Gly (NM_172056.3); c.1378+153A>G (NM_172057.3); short protein forms S851G, S511G, S751G, S755G, S792G.
Identifiers: ClinVar variation 200239 (VCV000200239.4), dbSNP rs794728345, ClinGen allele CA006601.